The following is an entry in ClinVar:

NM_006262.4(PRPH):c.63C>T (p.Phe21=)

Genes: PRPH (peripherin; plus strand), TROAP-AS1 (TROAP and PRPH antisense RNA 1; minus strand). Cytogenetic location: 12q13.12.
Variant type: single nucleotide variant.
Coding change: c.63C>T on transcript NM_006262.4 (MANE Select); coding-DNA position 63, C replaced by T.
Protein change: p.Phe21=; no amino-acid change (phenylalanine 21 retained).
Molecular consequence: synonymous variant. On other transcripts: non-coding transcript variant (1).
Genome position (GRCh38, 1-based): chr12:49,295,263, C>T. VCF-style: chr12-49295263-C-T. GRCh37 (hg19) VCF-style: chr12-49689046-C-T.
Identifiers: ClinVar variation 66720 (VCV000066720.9), dbSNP rs58403142, ClinGen allele CA217617.

ClinVar aggregate classification (germline): Likely benign. Review status: criteria provided, multiple submitters, no conflicts (2 of 4 stars). 4 submissions from 4 submitters: Likely benign (2). 2 of the submissions do not count toward it. Last evaluated 2021-10-18.

Conditions:
PRPH-related disorder. Also called: PRPH-related condition.

Allele frequency attached by ClinVar (database versions not stated): gnomAD exomes 0.01712 and 0.02264; ESP Exome Variant Server 0.01964; gnomAD 0.02100 and 0.02123; TOPMed 0.02125; 1000 Genomes Project 30x 0.02217; 1000 Genomes Project 0.02236; ExAC 0.02476.
gnomAD v4.1: 28,481 of 1,611,846 alleles (1.8%); highest among the groups gnomAD compares: African/African-American, 2.6%; 306 homozygotes.

Submissions (4):

GeneDx
Classification: Likely benign. Last evaluated: 2021-10-18. Review status: criteria provided, single submitter. Criteria: GeneDx Variant Classification Process June 2021. Collection method: clinical testing. Allele origin: germline. Affected: yes.

Breakthrough Genomics
Classification: Likely benign. Review status: criteria provided, single submitter. Criteria: ACMG Guidelines, 2015. Collection method: not provided. Allele origin: germline. Inheritance: Autosomal dominant inheritance. Affected: yes.

PreventionGenetics, part of Exact Sciences
Classification: Benign for PRPH-related condition. Last evaluated: 2019-02-21. Review status: no assertion criteria provided. Collection method: clinical testing. Allele origin: germline. Not counted in ClinVar's aggregate classification.
Comment: This variant is classified as benign based on ACMG/AMP sequence variant interpretation guidelines (Richards et al. 2015 PMID: 25741868, with internal and published modifications).

Epithelial Biology;  Institute of Medical Biology, Singapore
No classification provided. Review status: no classification provided. Collection method: not provided. Allele origin: not provided. Not counted in ClinVar's aggregate classification.